The following is an entry in ClinVar:

NM_000136.3(FANCC):c.189A>C (p.Arg63Ser)

Gene: FANCC (FA complementation group C; minus strand). Cytogenetic location: 9q22.32.
Variant type: single nucleotide variant.
Coding change: c.189A>C on transcript NM_000136.3 (MANE Select); coding-DNA position 189, A replaced by C.
Protein change: p.Arg63Ser; replaces arginine 63 with serine.
Molecular consequence: missense variant.
Genome position (GRCh38, 1-based): chr9:95,247,493, T>G on the plus strand (A>C on the coding strand, the complement: FANCC is on the minus strand). VCF-style: chr9-95247493-T-G. GRCh37 (hg19) VCF-style: chr9-98009775-T-G.
Other names: c.189A>C, p.Arg63Ser (NM_001243743.2, NM_001243744.2); short protein forms R63S.
Identifiers: ClinVar variation 3230373 (VCV003230373.1), dbSNP rs773388565, ClinGen allele CA374340116.

ClinVar aggregate classification (germline): Uncertain significance (1 of 4 stars; one submission).

Conditions:
Hereditary cancer-predisposing syndrome. Also called: Neoplastic Syndromes, Hereditary; Tumor predisposition; Hereditary neoplastic syndrome; Hereditary Cancer Syndrome. Identifiers: Orphanet 140162, MedGen C0027672, MeSH D009386, MONDO:0015356.

Submission:

Ambry Genetics
Classification: Uncertain significance for Hereditary cancer-predisposing syndrome. Last evaluated: 2024-02-24. Review status: criteria provided, single submitter. Criteria: Ambry Variant Classification Scheme 2023. Collection method: clinical testing. Allele origin: germline.
Comment: The p.R63S variant (also known as c.189A>C), located in coding exon 2 of the FANCC gene, results from an A to C substitution at nucleotide position 189. The arginine at codon 63 is replaced by serine, an amino acid with dissimilar properties. This amino acid position is conserved. In addition, this alteration is predicted to be tolerated by in silico analysis. Based on the available evidence, the clinical significance of this alteration remains unclear.